The following is an entry in ClinVar:

ClinVar aggregate classification (germline): Uncertain significance (1 of 4 stars; one submission).

Conditions:
Birt-Hogg-Dube syndrome. Also called: Birt Hogg Dubé syndrome. Identifiers: Orphanet 122, MedGen C0346010, MONDO:0800444.

Submission:

Labcorp Genetics (formerly Invitae), Labcorp
Classification: Uncertain significance for Birt-Hogg-Dube syndrome. Last evaluated: 2020-03-10. Review status: criteria provided, single submitter. Criteria: Invitae Variant Classification Sherloc (09022015). Collection method: clinical testing. Allele origin: germline.
Comment: In summary, the available evidence is currently insufficient to determine the role of this variant in disease. Therefore, it has been classified as a Variant of Uncertain Significance. Algorithms developed to predict the effect of missense changes on protein structure and function are either unavailable or do not agree on the potential impact of this missense change (SIFT: "Deleterious"; PolyPhen-2: "Benign"; Align-GVGD: "Class C0"). This variant has not been reported in the literature in individuals with FLCN-related conditions. This variant is not present in population databases (ExAC no frequency). This sequence change replaces valine with glycine at codon 524 of the FLCN protein (p.Val524Gly). The valine residue is highly conserved and there is a moderate physicochemical difference between valine and glycine.

NM_144997.7(FLCN):c.1571T>G (p.Val524Gly)

Gene: FLCN (folliculin; minus strand). Cytogenetic location: 17p11.2.
Variant type: single nucleotide variant.
Coding change: c.1571T>G on transcript NM_144997.7 (MANE Select); coding-DNA position 1571, T replaced by G.
Protein change: p.Val524Gly; replaces valine 524 with glycine.
Molecular consequence: missense variant.
Genome position (GRCh38, 1-based): chr17:17,213,824, A>C on the plus strand (T>G on the coding strand, the complement: FLCN is on the minus strand). VCF-style: chr17-17213824-A-C. GRCh37 (hg19) VCF-style: chr17-17117138-A-C.
Other names: c.1625T>G, p.Val542Gly (NM_001353229.2); c.1571T>G, p.Val524Gly (NM_001353230.2, NM_001353231.2); short protein forms V524G, V542G.
Identifiers: ClinVar variation 1026891 (VCV001026891.5), dbSNP rs2046823273, ClinGen allele CA398530463.